The following is an entry in ClinVar:

ClinVar aggregate classification (germline): Likely benign (1 of 4 stars; one submission).

Allele frequency attached by ClinVar (database versions not stated): ExAC 0.00002.

Submission:

CeGaT Center for Human Genetics Tuebingen
Classification: Likely benign. Last evaluated: 2023-01-01. Review status: criteria provided, single submitter. Criteria: CeGaT Center For Human Genetics Tuebingen Variant Classification Criteria Version 2. Collection method: clinical testing. Allele origin: germline. Affected: yes. Observed: 1 variant allele.
Comment: ZNF99: BP4, BP7

NM_001080409.3(ZNF99):c.1767G>A (p.Gly589=)

Gene: ZNF99 (zinc finger protein 99; minus strand). Cytogenetic location: 19p12.
Variant type: single nucleotide variant.
Coding change: c.1767G>A on transcript NM_001080409.3 (MANE Select); coding-DNA position 1767, G replaced by A.
Protein change: p.Gly589=; no amino-acid change (glycine 589 retained).
Molecular consequence: synonymous variant.
Genome position (GRCh38, 1-based): chr19:22,758,142, C>T on the plus strand (G>A on the coding strand, the complement: ZNF99 is on the minus strand). VCF-style: chr19-22758142-C-T. GRCh37 (hg19) VCF-style: chr19-22940944-C-T.
Identifiers: ClinVar variation 2649655 (VCV002649655.24), dbSNP rs777574944, ClinGen allele CA9346021.